The following is an entry in ClinVar:

NM_002474.3(MYH11):c.5635G>A (p.Val1879Ile)

Genes: MYH11 (myosin heavy chain 11; minus strand), NDE1 (nudE neurodevelopment protein 1; plus strand). Cytogenetic location: 16p13.11.
Variant type: single nucleotide variant.
Coding change: c.5635G>A on transcript NM_002474.3 (MANE Select); coding-DNA position 5635, G replaced by A.
Protein change: p.Val1879Ile; replaces valine 1879 with isoleucine.
Molecular consequence: missense variant. On other transcripts: intron variant (2).
Genome position (GRCh38, 1-based): chr16:15,715,060, C>T on the plus strand (G>A on the coding strand, the complement: MYH11 is on the minus strand). VCF-style: chr16-15715060-C-T. GRCh37 (hg19) VCF-style: chr16-15808917-C-T.
Other names: c.5656G>A, p.Val1886Ile (NM_001040113.2, NM_001040114.2); c.5635G>A, p.Val1879Ile (NM_022844.3); c.948-9131C>T (NM_001143979.2, NM_017668.3); short protein forms V1879I, V1886I.
Identifiers: ClinVar variation 418581 (VCV000418581.19), dbSNP rs138206921, ClinGen allele CA7921178.

ClinVar aggregate classification (germline): Likely benign. Review status: criteria provided, multiple submitters, no conflicts (2 of 4 stars). 7 submissions from 7 submitters: Likely benign (7). Last evaluated 2026-01-28.

Conditions:
Aortic aneurysm, familial thoracic 4 (AAT4). Also called: AORTIC ANEURYSM/AORTIC DISSECTION AND PATENT DUCTUS ARTERIOSUS. Identifiers: MedGen C1851504, MONDO:0007568, OMIM 132900.
Connective tissue disorder. Also called: Connective tissue disease. Identifiers: MedGen C0009782, MONDO:0003900.
Familial thoracic aortic aneurysm and aortic dissection (TAAD). Also called: Thoracic aortic aneurysms and dissections. Identifiers: Orphanet 91387, MedGen C4707243, MONDO:0019625.

Allele frequency attached by ClinVar (database versions not stated): TOPMed 0.00008; gnomAD exomes 0.00013 and 0.00020; ExAC 0.00019; gnomAD 0.00030 and 0.00032.
gnomAD v4.1: 235 of 1,613,332 alleles (0.015%); highest among the groups gnomAD compares: Non-Finnish European, 0.0074%; no homozygotes.

Submissions (7):

Labcorp Genetics (formerly Invitae), Labcorp
Classification: Likely benign for Aortic aneurysm, familial thoracic 4. Last evaluated: 2026-01-28. Review status: criteria provided, single submitter. Criteria: Invitae Variant Classification Sherloc (09022015). Collection method: clinical testing. Allele origin: germline.

Blueprint Genetics
Classification: Likely benign. Last evaluated: 2024-08-08. Review status: criteria provided, single submitter. Criteria: ACMG Guidelines, 2015. Collection method: clinical testing. Allele origin: germline.

Women's Health and Genetics/Laboratory Corporation of America, LabCorp
Classification: Likely benign. Last evaluated: 2023-05-15. Review status: criteria provided, single submitter. Criteria: LabCorp Variant Classification Summary - May 2015. Collection method: clinical testing. Allele origin: germline.
Comment: Variant summary: MYH11 c.5656G>A (p.Val1886Ile) results in a conservative amino acid change located in the Myosin tail (IPR002928) of the encoded protein sequence. Four of five in-silico tools predict a benign effect of the variant on protein function. The variant allele was found at a frequency of 0.0002 in 250956 control chromosomes. The observed variant frequency is approximately 16-fold of the estimated maximal expected allele frequency for a pathogenic variant in MYH11 causing Thoracic Aortic Aneurysms And Dissections phenotype (1.3e-05), strongly suggesting that the variant is benign. c.5656G>A has been reported in the literature in an individual affected with Thoracic Aortic Aneurysms without strong evidence of causality (Salmasi_2022). This report does not provide unequivocal conclusions about association of the variant with Thoracic Aortic Aneurysms And Dissections. To our knowledge, no experimental evidence demonstrating an impact on protein function has been reported. The following publication has been ascertained in the context of this evaluation (PMID: 35830949). Five submitters have provided clinical-significance assessments for this variant to ClinVar after 2014, and classified the variant as likely benign. Based on the evidence outlined above, the variant was classified as likely benign.

GeneDx
Classification: Likely benign. Last evaluated: 2021-05-27. Review status: criteria provided, single submitter. Criteria: GeneDx Variant Classification Process June 2021. Collection method: clinical testing. Allele origin: germline. Affected: yes.

Ambry Genetics
Classification: Likely benign for Familial thoracic aortic aneurysm and aortic dissection. Last evaluated: 2020-11-17. Review status: criteria provided, single submitter. Criteria: Ambry Variant Classification Scheme 2023. Collection method: clinical testing. Allele origin: germline.

Color Diagnostics, LLC DBA Color Health
Classification: Likely benign for Familial thoracic aortic aneurysm and aortic dissection. Last evaluated: 2018-06-11. Review status: criteria provided, single submitter. Criteria: ACMG Guidelines, 2015. Collection method: clinical testing. Allele origin: germline.

Center for Human Genetics, Inc
Classification: Likely benign for Connective tissue disorder. Last evaluated: 2016-11-01. Review status: criteria provided, single submitter. Criteria: ACMG Guidelines, 2015. Collection method: clinical testing. Allele origin: germline. Affected: yes.

Literature cited by the submitters: PubMed 35830949 (cited by Women's Health and Genetics/Laboratory Corporation of America, LabCorp).